The following is an entry in ClinVar:

NM_000465.4(BARD1):c.83C>T (p.Pro28Leu)

Gene: BARD1 (BRCA1 associated RING domain 1; minus strand). Cytogenetic location: 2q35.
Variant type: single nucleotide variant.
Coding change: c.83C>T on transcript NM_000465.4 (MANE Select); coding-DNA position 83, C replaced by T.
Protein change: p.Pro28Leu; replaces proline 28 with leucine.
Molecular consequence: missense variant. On other transcripts: non-coding transcript variant (3).
Genome position (GRCh38, 1-based): chr2:214,809,487, G>A on the plus strand (C>T on the coding strand, the complement: BARD1 is on the minus strand). VCF-style: chr2-214809487-G-A. GRCh37 (hg19) VCF-style: chr2-215674211-G-A.
Other names: c.83C>T, p.Pro28Leu (NM_001282543.2, NM_001282545.2, NM_001282548.2 and 1 more transcripts); short protein forms P28L.
Identifiers: ClinVar variation 1464292 (VCV001464292.7), dbSNP rs1696463841, ClinGen allele CA350465114.

ClinVar aggregate classification (germline): Uncertain significance (1 of 4 stars; one submission).

Conditions:
Familial cancer of breast. Also called: Hereditary breast cancer; hereditary breast carcinoma; BREAST CANCER, FAMILIAL. Identifiers: Orphanet 227535, MedGen C0346153, MONDO:0016419, OMIM 114480. Disease mechanism: loss of function.

Allele frequency attached by ClinVar (database versions not stated): TOPMed below 0.00001; gnomAD 0.00001.
gnomAD v4.1: 2 of 1,608,704 alleles (0.00012%); highest among the groups gnomAD compares: Non-Finnish European, 0.00017%; no homozygotes.

Submission:

Labcorp Genetics (formerly Invitae), Labcorp
Classification: Uncertain significance for Familial cancer of breast. Last evaluated: 2021-11-13. Review status: criteria provided, single submitter. Criteria: Invitae Variant Classification Sherloc (09022015). Collection method: clinical testing. Allele origin: germline.
Comment: In summary, the available evidence is currently insufficient to determine the role of this variant in disease. Therefore, it has been classified as a Variant of Uncertain Significance. Algorithms developed to predict the effect of missense changes on protein structure and function are either unavailable or do not agree on the potential impact of this missense change (SIFT: "Deleterious"; PolyPhen-2: "Possibly Damaging"; Align-GVGD: "Class C0"). This variant has not been reported in the literature in individuals affected with BARD1-related conditions. This variant is not present in population databases (gnomAD no frequency). This sequence change replaces proline, which is neutral and non-polar, with leucine, which is neutral and non-polar, at codon 28 of the BARD1 protein (p.Pro28Leu).